The following is an entry in ClinVar:

NM_177924.5(ASAH1):c.248T>A (p.Met83Lys)

Gene: ASAH1 (N-acylsphingosine amidohydrolase 1; minus strand). Cytogenetic location: 8p22.
Variant type: single nucleotide variant.
Coding change: c.248T>A on transcript NM_177924.5 (MANE Select); coding-DNA position 248, T replaced by A.
Protein change: p.Met83Lys; replaces methionine 83 with lysine.
Molecular consequence: missense variant. On other transcripts: intron variant (1).
Genome position (GRCh38, 1-based): chr8:18,069,847, A>T on the plus strand (T>A on the coding strand, the complement: ASAH1 is on the minus strand). VCF-style: chr8-18069847-A-T. GRCh37 (hg19) VCF-style: chr8-17927356-A-T.
Other names: c.53T>A, p.Met18Lys (NM_001363743.2); c.296T>A, p.Met99Lys (NM_004315.6); c.285+1453T>A (NM_001127505.3); short protein forms M99K, M18K, M83K.
Identifiers: ClinVar variation 2118079 (VCV002118079.4), dbSNP rs758440655, ClinGen allele CA370433269.
Genomic context (GRCh38, chr8:18,069,847, plus strand): 5'-CTTACCAATTTTTCATCCACCACCTGCATAATTTTTCCACTTGGCACGAATGTATTTATC[A>T]TATTCTTCAGAGAATTCACTATAACCTTTAGCTGAAAAATAAATAAAATGCTTACTAAAA-3'
Protein context (NP_808592.2, residues 73-93): LKVIVNSLKN[Met83Lys]INTFVPSGKI

ClinVar aggregate classification (germline): Uncertain significance (1 of 4 stars; one submission).

Submission:

Labcorp Genetics (formerly Invitae), Labcorp
Classification: Uncertain significance. Last evaluated: 2022-03-27. Review status: criteria provided, single submitter. Criteria: Invitae Variant Classification Sherloc (09022015). Collection method: clinical testing. Allele origin: germline.
Comment: Algorithms developed to predict the effect of missense changes on protein structure and function are either unavailable or do not agree on the potential impact of this missense change (SIFT: "Deleterious"; PolyPhen-2: "Benign"; Align-GVGD: "Class C35"). In summary, the available evidence is currently insufficient to determine the role of this variant in disease. Therefore, it has been classified as a Variant of Uncertain Significance. This variant has not been reported in the literature in individuals affected with ASAH1-related conditions. This variant is not present in population databases (gnomAD no frequency). This sequence change replaces methionine, which is neutral and non-polar, with lysine, which is basic and polar, at codon 83 of the ASAH1 protein (p.Met83Lys).